The following is an entry in ClinVar:

NM_000038.6(APC):c.775C>T (p.Arg259Trp)

Gene: APC (APC regulator of Wnt signaling pathway; plus strand). Cytogenetic location: 5q22.2.
Variant type: single nucleotide variant.
Coding change: c.775C>T on transcript NM_000038.6 (MANE Select); coding-DNA position 775, C replaced by T.
Protein change: p.Arg259Trp; replaces arginine 259 with tryptophan.
Molecular consequence: missense variant. On other transcripts: 5 prime UTR variant (1).
Genome position (GRCh38, 1-based): chr5:112,801,324, C>T. VCF-style: chr5-112801324-C-T. GRCh37 (hg19) VCF-style: chr5-112137021-C-T.
Other names: CCDS4107.1:c.775C>T; c.775C>T, p.Arg259Trp (NM_001127510.3, NM_001354895.2, NM_001354896.2 and 1 more transcripts); c.721C>T, p.Arg241Trp (NM_001127511.3); c.805C>T, p.Arg269Trp (NM_001354897.2, NM_001354902.2); c.700C>T, p.Arg234Trp (NM_001354898.2, NM_001354904.2); c.691C>T, p.Arg231Trp (NM_001354899.2); c.598C>T, p.Arg200Trp (NM_001354900.2, NM_001354901.2, NM_001354905.2); c.-261C>T (NM_001354906.2); short protein forms R241W, R259W, R200W, R231W, R234W, R269W.
Identifiers: ClinVar variation 411556 (VCV000411556.34), dbSNP rs762117133, ClinGen allele CA049073.

ClinVar aggregate classification (germline): Conflicting classifications of pathogenicity. Review status: criteria provided, conflicting classifications (1 of 4 stars). 14 submissions from 14 submitters: Uncertain significance (10); Likely benign (1). 3 of the submissions do not count toward it. Last evaluated 2025-11-05.

Conditions:
Classic or attenuated familial adenomatous polyposis. Identifiers: MedGen CN372698, MONDO:0021057.
APC-related disorder. Also called: APC-related condition.
Hereditary cancer-predisposing syndrome. Also called: Neoplastic Syndromes, Hereditary; Tumor predisposition; Hereditary Cancer Syndrome; Hereditary neoplastic syndrome. Identifiers: Orphanet 140162, MedGen C0027672, MeSH D009386, MONDO:0015356.
Familial adenomatous polyposis 1 (FAP1). Also called: FAMILIAL ADENOMATOUS POLYPOSIS 1, ATTENUATED; POLYPOSIS, ADENOMATOUS INTESTINAL. Identifiers: MedGen C2713442, MONDO:0021056, OMIM 175100. Disease mechanism: loss of function.

Allele frequency attached by ClinVar (database versions not stated): TOPMed below 0.00001; gnomAD 0.00001 and 0.00003; gnomAD exomes 0.00002; ExAC 0.00004.
gnomAD v4.1: 45 of 1,612,680 alleles (0.0028%); highest among the groups gnomAD compares: East Asian, 0.067%; no homozygotes.

Submissions (14):

Labcorp Genetics (formerly Invitae), Labcorp
Classification: Uncertain significance for Familial adenomatous polyposis 1. Last evaluated: 2025-11-05. Review status: criteria provided, single submitter. Criteria: Invitae Variant Classification Sherloc (09022015). Collection method: clinical testing. Allele origin: germline.
Comment: This sequence change replaces arginine, which is basic and polar, with tryptophan, which is neutral and slightly polar, at codon 259 of the APC protein (p.Arg259Trp). This variant is present in population databases (rs762117133, gnomAD 0.007%). This missense change has been observed in individual(s) with biliary tract cancer and/or colorectal cancer (PMID: 33309985, 36243179). ClinVar contains an entry for this variant (Variation ID: 411556). Invitae Evidence Modeling of protein sequence and biophysical properties (such as structural, functional, and spatial information, amino acid conservation, physicochemical variation, residue mobility, and thermodynamic stability) indicates that this missense variant is not expected to disrupt APC protein function with a negative predictive value of 95%. In summary, the available evidence is currently insufficient to determine the role of this variant in disease. Therefore, it has been classified as a Variant of Uncertain Significance.

PreventionGenetics, part of Exact Sciences
Classification: Uncertain significance for APC-related condition. Last evaluated: 2025-10-31. Review status: criteria provided, single submitter. Criteria: ACMG Guidelines, 2015. Collection method: clinical testing. Allele origin: germline.
Comment: The APC c.775C>T variant is predicted to result in the amino acid substitution p.Arg259Trp. This variant has been reported in association with biliary tract cancer (Suppl Table 2, Okawa et al 2023. PubMed ID: 36243179). However, in a population-based screening for hereditary colorectal cancer, it was reported that this variant has no significant association with colorectal cancer (Fujita et al 2020. PubMed ID: 33309985). This variant is reported in 0.0065% of alleles in individuals of South Asian descent in gnomAD. This variant is interpreted as a variant of uncertain significance by vast majority of the submitters in ClinVar (Variation ID: 411556). At this time, the clinical significance of this variant is uncertain due to the absence of conclusive functional and genetic evidence.

GeneDx
Classification: Uncertain significance. Last evaluated: 2024-07-03. Review status: criteria provided, single submitter. Criteria: GeneDx Variant Classification Process June 2021. Collection method: clinical testing. Allele origin: germline. Affected: yes.
Comment: In silico analysis supports that this missense variant has a deleterious effect on protein structure/function; This variant is associated with the following publications: (PMID: 33309985, 31702654, 36243179, 32980694)

All of Us Research Program, National Institutes of Health
Classification: Uncertain significance for Classic or attenuated familial adenomatous polyposis. Last evaluated: 2024-06-09. Review status: criteria provided, single submitter. Criteria: ACMG Guidelines, 2015. Collection method: clinical testing. Allele origin: germline. Inheritance: Autosomal dominant inheritance. Observed: 5 variant alleles, 5 heterozygotes.
Comment: This missense variant replaces arginine with tryptophan at codon 259 of the APC protein. Computational prediction suggests that this variant may not impact protein structure and function (internally defined REVEL score threshold <= 0.5, PMID: 27666373). To our knowledge, functional studies have not been reported for this variant. This variant has been reported in an individual affected with sarcoma (PMID: 31702654). However, case-control studies reported no significant association with colorectal cancer or pancreatic cancer (PMID: 33309985, 32980694). This variant has been identified in 6/251012 chromosomes in the general population by the Genome Aggregation Database (gnomAD). The available evidence is insufficient to determine the role of this variant in disease conclusively. Therefore, this variant is classified as a Variant of Uncertain Significance.

This study involves interpretation of variants in research participants for the purpose of population health screening. Participant phenotype was not available at the time of variant classification. Additional details can be found in publication PMID: 35346344, PMCID: PMC8962531

Color Diagnostics, LLC DBA Color Health
Classification: Uncertain significance for Hereditary cancer-predisposing syndrome. Last evaluated: 2024-04-30. Review status: criteria provided, single submitter. Criteria: ACMG Guidelines, 2015. Collection method: clinical testing. Allele origin: germline.
Comment: This missense variant replaces arginine with tryptophan at codon 259 of the APC protein. Computational prediction suggests that this variant may not impact protein structure and function (internally defined REVEL score threshold <= 0.5, PMID: 27666373). To our knowledge, functional studies have not been reported for this variant. This variant has been reported in an individual affected with sarcoma (PMID: 31702654). Case-control studies have reported no significant association with colorectal cancer or pancreatic cancer (PMID: 32980694, 33309985). This variant has been identified in 6/251012 chromosomes in the general population by the Genome Aggregation Database (gnomAD). The available evidence is insufficient to determine the role of this variant in disease conclusively. Therefore, this variant is classified as a Variant of Uncertain Significance.

Baylor Genetics
Classification: Uncertain significance for Familial adenomatous polyposis 1. Last evaluated: 2023-11-19. Review status: criteria provided, single submitter. Criteria: ACMG Guidelines, 2015. Collection method: clinical testing. Allele origin: unknown.

KCCC/NGS Laboratory, Kuwait Cancer Control Center
Classification: Uncertain significance for Familial adenomatous polyposis 1. Last evaluated: 2023-07-07. Review status: criteria provided, single submitter. Criteria: ACMG Guidelines, 2015. Collection method: clinical testing. Allele origin: unknown. Affected: yes.
Comment: the sequence change replaces arginine with tryptophan at codon 259 of the APC protein (p.Arg259Trp). The arginine residue is highly conserved and there is a moderate physicochemical difference between arginine and tryptophan. This variant is present in population databases (rs762117133, ExAC 0.01%). This variant has not been reported in the literature in individuals with APC-related disease. ClinVar contains an entry for this variant (Variation ID: 411556). In-silico simulator software to predict the effect of missense changes on protein structure and function showed (SIFT: "Deleterious"; PolyPhen-2: "benign"). Therefore, it has been classified as a Variant of Uncertain Significance.

Myriad Genetics, Inc.
Classification: Uncertain significance for Familial adenomatous polyposis 1. Last evaluated: 2023-02-14. Review status: criteria provided, single submitter. Criteria: Myriad Autosomal Dominant, Autosomal Recessive and X-Linked Classification Criteria (2023). Collection method: clinical testing. Allele origin: unknown.
Comment: This variant is classified as a variant of uncertain significance as there is insufficient evidence to determine its impact on protein function and/or cancer risk.

Women's Health and Genetics/Laboratory Corporation of America, LabCorp
Classification: Uncertain significance. Last evaluated: 2021-11-09. Review status: criteria provided, single submitter. Criteria: LabCorp Variant Classification Summary - May 2015. Collection method: clinical testing. Allele origin: germline.
Comment: Variant summary: APC c.775C>T (p.Arg259Trp) results in a non-conservative amino acid change in the encoded protein sequence. Four of five in-silico tools predict a damaging effect of the variant on protein function. The variant allele was found at a frequency of 2.4e-05 in 251012 control chromosomes. The available data on variant occurrences in the general population are insufficient to allow any conclusion about variant significance. c.775C>T has been reported in the literature in individuals affected with Familial Adenomatous Polyposis. These report(s) do not provide unequivocal conclusions about association of the variant with Familial Adenomatous Polyposis. To our knowledge, no experimental evidence demonstrating an impact on protein function has been reported. Six clinical diagnostic laboratories have submitted clinical-significance assessments for this variant to ClinVar after 2014 without evidence for independent evaluation. All laboratories classified the variant as uncertain significance. Based on the evidence outlined above, the variant was classified as uncertain significance.

Institute for Clinical Genetics, University Hospital TU Dresden, University Hospital TU Dresden
Classification: Uncertain significance. Last evaluated: 2021-11-03. Review status: criteria provided, single submitter. Criteria: ACMG Guidelines, 2015. Collection method: clinical testing. Allele origin: germline.

Ambry Genetics
Classification: Likely benign for Hereditary cancer-predisposing syndrome. Last evaluated: 2021-05-14. Review status: criteria provided, single submitter. Criteria: Ambry Variant Classification Scheme 2023. Collection method: clinical testing. Allele origin: germline.

Counsyl
Classification: Uncertain significance for Familial adenomatous polyposis 1. Last evaluated: 2018-02-13. Review status: no assertion criteria provided. Collection method: clinical testing. Allele origin: unknown. Not counted in ClinVar's aggregate classification.

True Health Diagnostics
Classification: Uncertain significance for Hereditary cancer-predisposing syndrome. Last evaluated: 2017-10-25. Review status: no assertion criteria provided. Collection method: clinical testing. Allele origin: germline. Not counted in ClinVar's aggregate classification.

Department of Pathology and Laboratory Medicine, Sinai Health System
Classification: Uncertain significance. Review status: no assertion criteria provided. Collection method: clinical testing. Allele origin: unknown. Affected: yes. Study: The Canadian Open Genetics Repository (COGR). Not counted in ClinVar's aggregate classification.
Comment: The APC p.R259W variant was identified in the literature from one infant with Ewing-like sarcoma/undifferentiated round cell sarcoma who also had additional variants of uncertain significance in MSH6 (p.P1082S) and KMT2D (p.K2548E) (Xiong_2019_PMID:31702654). The variant was identified in dbSNP (ID: rs762117133), Cosmic and ClinVar (classified as uncertain significance by Counsyl, Invitae, Ambry Genetics, Color, True Health Diagnostics and Integrated Genetics). The variant was identified in control databases in 5 of 236492 chromosomes at a frequency of 0.00002114 (Genome Aggregation Database March 6, 2019, v2.1.1). The variant was observed in the following populations: South Asian in 2 of 30494 chromosomes (freq: 0.000066), East Asian in 1 of 17642 chromosomes (freq: 0.000057) and European (non-Finnish) in 2 of 102476 chromosomes (freq: 0.00002), but was not observed in the African, Latino, Ashkenazi Jewish, European (Finnish), or Other populations. The p.R259 residue is conserved in mammals and computational analyses (PolyPhen-2, MutationTaster, SIFT, AlignGVGD, BLOSUM) provide inconsistent predictions regarding the impact to the protein; this information is not very predictive of pathogenicity. The variant occurs outside of the splicing consensus sequence and in silico or computational prediction software programs (SpliceSiteFinder, MaxEntScan, NNSPLICE, GeneSplicer) do not predict a difference in splicing. In summary, based on the above information the clinical significance of this variant cannot be determined with certainty at this time. This variant is classified as a variant of uncertain significance.

Literature cited by the submitters: PubMed 33309985 (cited by 4 submitters); PubMed 36243179 (cited by Labcorp Genetics (formerly Invitae), Labcorp); PubMed 31702654 (cited by 3 submitters); PubMed 32980694 (cited by All of Us Research Program, National Institutes of Health and Color Diagnostics, LLC DBA Color Health).